The following is an entry in ClinVar:

NM_030943.4(AMN):c.1169+2T>C

Gene: AMN (amnion associated transmembrane protein; plus strand). Cytogenetic location: 14q32.32.
Variant type: single nucleotide variant.
Coding change: c.1169+2T>C on transcript NM_030943.4 (MANE Select); the canonical splice donor site of the intron after coding-DNA position 1169, T replaced by C.
Molecular consequence: splice donor variant.
Genome position (GRCh38, 1-based): chr14:102,930,329, T>C. VCF-style: chr14-102930329-T-C. GRCh37 (hg19) VCF-style: chr14-103396666-T-C.
Identifiers: ClinVar variation 2696491 (VCV002696491.3), dbSNP rs971064120, ClinGen allele CA267175550.

ClinVar aggregate classification (germline): Likely pathogenic (1 of 4 stars; one submission).

Conditions:
Imerslund-Grasbeck syndrome. Also called: PERNICIOUS ANEMIA, JUVENILE, DUE TO SELECTIVE INTESTINAL MALABSORPTION OF VITAMIN B12, WITH PROTEINURIA; Megaloblastic anemia due to inborn errors of metabolism; ENTEROCYTE COBALAMIN MALABSORPTION; ENTEROCYTE INTRINSIC FACTOR RECEPTOR, DEFECT OF; Imerslund-Gräsbeck syndrome. Identifiers: Orphanet 35858, MedGen C4551825, MONDO:0009853.

Submission:

Labcorp Genetics (formerly Invitae), Labcorp
Classification: Likely pathogenic for Imerslund-Grasbeck syndrome. Last evaluated: 2023-11-17. Review status: criteria provided, single submitter. Criteria: Invitae Variant Classification Sherloc (09022015). Collection method: clinical testing. Allele origin: germline.
Comment: This sequence change affects a donor splice site in intron 10 of the AMN gene. It is expected to disrupt RNA splicing. Variants that disrupt the donor or acceptor splice site typically lead to a loss of protein function (PMID: 16199547), and loss-of-function variants in AMN are known to be pathogenic (PMID: 12590260, 22929189). This variant is not present in population databases (gnomAD no frequency). This variant has not been reported in the literature in individuals affected with AMN-related conditions. Algorithms developed to predict the effect of sequence changes on RNA splicing suggest that this variant may disrupt the consensus splice site. In summary, the currently available evidence indicates that the variant is pathogenic, but additional data are needed to prove that conclusively. Therefore, this variant has been classified as Likely Pathogenic.

Literature cited by the submitters: PubMed 16199547; PubMed 12590260; PubMed 22929189.